The following is an entry in ClinVar:

NM_001006658.3(CR2):c.1372G>A (p.Val458Met)

Gene: CR2 (complement C3d receptor 2; plus strand). Cytogenetic location: 1q32.2.
Variant type: single nucleotide variant.
Coding change: c.1372G>A on transcript NM_001006658.3 (MANE Select); coding-DNA position 1372, G replaced by A.
Protein change: p.Val458Met; replaces valine 458 with methionine.
Molecular consequence: missense variant.
Genome position (GRCh38, 1-based): chr1:207,470,886, G>A. VCF-style: chr1-207470886-G-A. GRCh37 (hg19) VCF-style: chr1-207644231-G-A.
Other names: c.1372G>A, p.Val458Met (NM_001877.5); short protein forms V458M.
Identifiers: ClinVar variation 1497324 (VCV001497324.6), dbSNP rs765653703, ClinGen allele CA344530589.

ClinVar aggregate classification (germline): Uncertain significance (1 of 4 stars; one submission).

Conditions:
Immunodeficiency, common variable, 7. Identifiers: Orphanet 1572, Orphanet 696894, MedGen C3542922, MONDO:0013862, OMIM 614699.

Submission:

Labcorp Genetics (formerly Invitae), Labcorp
Classification: Uncertain significance for Immunodeficiency, common variable, 7. Last evaluated: 2021-08-11. Review status: criteria provided, single submitter. Criteria: Invitae Variant Classification Sherloc (09022015). Collection method: clinical testing. Allele origin: germline.
Comment: In summary, the available evidence is currently insufficient to determine the role of this variant in disease. Therefore, it has been classified as a Variant of Uncertain Significance. Algorithms developed to predict the effect of missense changes on protein structure and function are either unavailable or do not agree on the potential impact of this missense change (SIFT: "Tolerated"; PolyPhen-2: "Probably Damaging"; Align-GVGD: "Class C0"). This variant has not been reported in the literature in individuals affected with CR2-related conditions. This variant is not present in population databases (ExAC no frequency). This sequence change replaces valine with methionine at codon 458 of the CR2 protein (p.Val458Met). The valine residue is moderately conserved and there is a small physicochemical difference between valine and methionine.